The following is an entry in ClinVar:

ClinVar aggregate classification (germline): Uncertain significance. Review status: criteria provided, multiple submitters, no conflicts (2 of 4 stars). 5 submissions from 5 submitters: Uncertain significance (4). 1 of the submissions does not count toward it. Last evaluated 2026-06-19.

Conditions:
TTN-related disorder. Also called: TTN-related condition; TTN-related disease; TTN-related disorders.
Dilated cardiomyopathy 1G (CMD1G). Identifiers: Orphanet 154, MedGen C1858763, MONDO:0011400, OMIM 604145.
Autosomal recessive limb-girdle muscular dystrophy type 2J (LGMDR10). Also called: Limb-girdle muscular dystrophy, type 2J; MUSCULAR DYSTROPHY, LIMB-GIRDLE, AUTOSOMAL RECESSIVE 10. Identifiers: Orphanet 140922, MedGen C1837342, MONDO:0012127, OMIM 608807.
Early-onset myopathy with fatal cardiomyopathy (CMYO5). Also called: Salih Myopathy; CONGENITAL MYOPATHY 5 WITH CARDIOMYOPATHY. Identifiers: Orphanet 289377, MedGen C2673677, MONDO:0012714, OMIM 611705. Disease mechanism: loss of function.
Tibial muscular dystrophy (TMD). Also called: Tibial muscular dystrophy, tardive; Udd Distal Myopathy – Tibial Muscular Dystrophy; UDD MYOPATHY. Identifiers: Orphanet 609, MedGen C1838244, MONDO:0010870, OMIM 600334.
Myopathy, myofibrillar, 9, with early respiratory failure (MFM9). Also called: Myopathy, distal, with early respiratory failure, autosomal dominant; MYOPATHY, PROXIMAL, WITH EARLY RESPIRATORY MUSCLE INVOLVEMENT; Hereditary myopathy with early respiratory failure; EDSTROM MYOPATHY. Identifiers: Orphanet 178464, Orphanet 34521, MedGen C1863599, MONDO:0011362, OMIM 603689.
Hypertrophic cardiomyopathy 9. Also called: Familial hypertrophic cardiomyopathy 9. Identifiers: MedGen C1861065, MONDO:0013412, OMIM 613765.

Allele frequency attached by ClinVar (database versions not stated): gnomAD exomes 0.00001 and 0.00005; ExAC 0.00009; gnomAD 0.00013 and 0.00017; TOPMed 0.00022; ESP Exome Variant Server 0.00025; 1000 Genomes Project 0.00120; 1000 Genomes Project 30x 0.00125.
gnomAD v4.1: 49 of 1,613,036 alleles (0.003%); highest among the groups gnomAD compares: African/African-American, 0.053%; no homozygotes.

Submissions (5):

PreventionGenetics, part of Exact Sciences
Classification: Uncertain significance for TTN-related condition. Last evaluated: 2026-06-19. Review status: criteria provided, single submitter. Criteria: ACMG Guidelines, 2015. Collection method: clinical testing. Allele origin: germline.
Comment: The TTN c.23353T>C variant is predicted to result in the amino acid substitution p.Cys7785Arg. To our knowledge, this variant has not been reported in the literature. This variant is reported in 0.062% of alleles in individuals of African descent in gnomAD. Although we suspect that this variant may be benign, at this time, the clinical significance of this variant is uncertain due to the absence of conclusive functional and genetic evidence.

Fulgent Genetics
Classification: Uncertain significance for Tibial muscular dystrophy; Myopathy, myofibrillar, 9, with early respiratory failure; Dilated cardiomyopathy 1G; Autosomal recessive limb-girdle muscular dystrophy type 2J; Early-onset myopathy with fatal cardiomyopathy; Hypertrophic cardiomyopathy 9. Last evaluated: 2024-04-02. Review status: criteria provided, single submitter. Criteria: ACMG Guidelines, 2015. Collection method: clinical testing. Allele origin: germline.

Eurofins Ntd Llc (ga)
Classification: Uncertain significance. Last evaluated: 2018-08-23. Review status: criteria provided, single submitter. Criteria: EGL ClinVar v180209 classification definitions. Collection method: clinical testing. Allele origin: germline. Observed: 1 variant allele, 1 heterozygote.

Labcorp Genetics (formerly Invitae), Labcorp
Classification: Uncertain significance for Dilated cardiomyopathy 1G; Autosomal recessive limb-girdle muscular dystrophy type 2J. Last evaluated: 2017-03-21. Review status: criteria provided, single submitter. Criteria: Invitae Variant Classification Sherloc (09022015). Collection method: clinical testing. Allele origin: germline.

GeneDx
No classification provided. Last evaluated: 2013-01-31. Review status: no classification provided. Criteria: GeneDx Variant Classification (06012015). Collection method: clinical testing. Allele origin: germline. Affected: yes. Not counted in ClinVar's aggregate classification.
Comment: Missense variants in the TTN gene are considered 'unclassified' if they are not previously reported in the literature and do not have >1% frequency in the population to be considered a polymorphism. Research indicates that truncating mutations in the TTN gene are expected to account for approximately 25% of familial and 18% of sporadic idiopathic DCM; however, truncating variants in the TTN gene have been reported in approximately 3% of reported control alleles. There has been little investigation into non-truncating variants. (Herman D et al. Truncations of titin causing dilated cardiomyopathy. N Eng J Med 366:619-628, 2012) The variant is found in DCM panel(s).

NM_001267550.2(TTN):c.23353T>C (p.Cys7785Arg)

Gene: TTN (titin; minus strand). Cytogenetic location: 2q31.2.
Variant type: single nucleotide variant.
Coding change: c.23353T>C on transcript NM_001267550.2 (MANE Select); coding-DNA position 23353, T replaced by C.
Protein change: p.Cys7785Arg; replaces cysteine 7785 with arginine.
Molecular consequence: missense variant. On other transcripts: intron variant (3).
Genome position (GRCh38, 1-based): chr2:178,720,409, A>G on the plus strand (T>C on the coding strand, the complement: TTN is on the minus strand). VCF-style: chr2-178720409-A-G. GRCh37 (hg19) VCF-style: chr2-179585136-A-G.
Other names: p.C7468R:TGT>CGT; c.22402T>C, p.Cys7468Arg (NM_001256850.1); c.19621T>C, p.Cys6541Arg (NM_133378.4); c.13282+17673T>C (NM_003319.4); c.13858+17673T>C (NM_133437.4); c.13657+17673T>C (NM_133432.3); short protein forms C7468R, C7785R, C6541R.
Identifiers: ClinVar variation 203320 (VCV000203320.10), dbSNP rs371090975, ClinGen allele CA312028.